The following is an entry in ClinVar:

NM_015450.3(POT1):c.744_745insA (p.Gln249fs)

Gene: POT1 (protection of telomeres 1; minus strand). Cytogenetic location: 7q31.33.
Variant type: Insertion.
Coding change: c.744_745insA on transcript NM_015450.3 (MANE Select); coding-DNA positions 744 to 745, A inserted.
Protein change: p.Gln249fs; shifts the reading frame from glutamine 249.
Molecular consequence: frameshift variant. On other transcripts: non-coding transcript variant (3).
Genome position: GRCh38 VCF-style: chr7-124853096-G-GT. GRCh37 (hg19) VCF-style: chr7-124493150-G-GT.
Other names: c.351_352insA, p.Gln118fs (NM_001042594.2); short protein forms Q118fs, Q249fs.
Identifiers: ClinVar variation 1056550 (VCV001056550.8), dbSNP rs2116505095, ClinGen allele CA2499218712.

ClinVar aggregate classification (germline): Pathogenic (1 of 4 stars; one submission).

Conditions:
Tumor predisposition syndrome 3 (TPDS3). Also called: Melanoma, cutaneous malignant, susceptibility to, 10; Glioma susceptibility 9; LONG TELOMERE SYNDROME, POT1-RELATED; POT1 Tumor Predisposition. Identifiers: Orphanet 618, MedGen C4014476, MONDO:0014368, OMIM 615848.

Submission:

Labcorp Genetics (formerly Invitae), Labcorp
Classification: Pathogenic for Tumor predisposition syndrome 3. Last evaluated: 2021-11-25. Review status: criteria provided, single submitter. Criteria: Invitae Variant Classification Sherloc (09022015). Collection method: clinical testing. Allele origin: germline.
Comment: This sequence change creates a premature translational stop signal (p.Gln249Thrfs*34) in the POT1 gene. It is expected to result in an absent or disrupted protein product. Loss-of-function variants in POT1 are known to be pathogenic (PMID: 32155570). This variant is not present in population databases (gnomAD no frequency). This variant has not been reported in the literature in individuals affected with POT1-related conditions. ClinVar contains an entry for this variant (Variation ID: 1056550). For these reasons, this variant has been classified as Pathogenic.

Literature cited by the submitters: PubMed 32155570.